The following is an entry in ClinVar:

ClinVar aggregate classification (germline): Pathogenic (1 of 4 stars; one submission).

Submission:

Illumina Laboratory Services, Illumina
Classification: Pathogenic. Last evaluated: 2022-03-17. Review status: criteria provided, single submitter. Criteria: ICSL CNVClassificationCriteria Aug2020. Collection method: clinical testing. Allele origin: unknown.
Comment: This CNV is an inherited 1.4 Mb deletion of 17p12 on chromosome 17 (seq[GRCh37]del(17)(p12); chr17:g.14098247_15475654del). This event overlaps the well-described 17p12 deletion associated with autosomal dominant hereditary neuropathy with liability to pressure palsies (HNPP) and encompasses the following protein coding genes: TVP23C-CDRT4, CDRT15, CDRT1, TEKT3, PMP22, CDRT4, TVP23C, HS3ST3B1, COX10. The 17p12 region is prone to rearrangements due to the presence of low copy repeats, referred to as the proximal CMT1A-REP and distal CMT1A-REP (Salpietro et al. 2018). This deletion fully encompasses the PMP22 gene, which has been identified as the main candidate underlying HNPP. PMP22 encodes the peripheral myelin protein 22 which is associated with myelin organization in the peripheral nervous system (Li et al. 2013; Harel and Lupski 2014; Chrestian 2020). Deletions of approximately 1.4 Mb at 17p12 have been described in approximately 85-90% of individuals with clinical evidence of HNPP (van Passen et al. 2014). Based on the available evidence, this CNV is classified as pathogenic.

Literature cited by the submitters: PubMed 20301566; PubMed 23224996; PubMed 24646194; PubMed 24697164; PubMed 30258273.

GRCh37/hg19 17p12(chr17:14098247-15475654)x1

Genes: TVP23C-CDRT4 (TVP23C-CDRT4 readthrough; minus strand), CDRT15 (CMT1A duplicated region transcript 15; minus strand), CDRT4 (CMT1A duplicated region transcript 4; minus strand), COX10 (cytochrome c oxidase assembly factor heme A:farnesyltransferase COX10; plus strand), HS3ST3B1 (heparan sulfate-glucosamine 3-sulfotransferase 3B1; plus strand) and 3 more. Cytogenetic location: 17p12.
Variant type: copy number loss.
Change: copy number 1 (one copy instead of two) of chr17:14,098,247-15,475,654 (1.38 Mb, GRCh37 coordinates, 1-based), cytogenetic band 17p12.
Identifiers: ClinVar variation 1803807 (VCV001803807.3).